The following is an entry in ClinVar:

ClinVar aggregate classification (germline): Uncertain significance. Review status: criteria provided, multiple submitters, no conflicts (2 of 4 stars). 2 submissions from 2 submitters: Uncertain significance (2). Last evaluated 2026-03-10.

Conditions:
X-linked lymphoproliferative disease due to SH2D1A deficiency (XLP1). Also called: SH2D1A-Related Lymphoproliferative Disease, X-Linked; EBV infection severe susceptibility to; Epstein Barr virus infection familial fatal; Duncan's syndrome; DUNCAN DISEASE; IMMUNODEFICIENCY 5. Identifiers: Orphanet 2442, Orphanet 538931, MedGen C5399825, MONDO:0024551, OMIM 308240.

Submissions (2):

Women's Health and Genetics/Laboratory Corporation of America, LabCorp
Classification: Uncertain significance. Last evaluated: 2026-03-10. Review status: criteria provided, single submitter. Criteria: LabCorp Variant Classification Summary - May 2015. Collection method: clinical testing. Allele origin: germline.
Comment: Variant summary: SH2D1A c.187T>C (p.Ser63Pro) results in a non-conservative amino acid change in the encoded protein sequence. Algorithms developed to predict the effect of missense changes on protein structure and function all suggest that this variant is likely to be disruptive. The variant was absent in 183277 control chromosomes. The available data on variant occurrences in the general population are insufficient to allow any conclusion about variant significance. To our knowledge, no occurrence of c.187T>C in individuals affected with SH2D1A-related conditions and no experimental evidence demonstrating its impact on protein function have been reported. ClinVar contains an entry for this variant (Variation ID: 4735631). Based on the evidence outlined above, the variant was classified as uncertain significance.

Labcorp Genetics (formerly Invitae), Labcorp
Classification: Uncertain significance for X-linked lymphoproliferative disease due to SH2D1A deficiency. Last evaluated: 2026-01-18. Review status: criteria provided, single submitter. Criteria: Invitae Variant Classification Sherloc (09022015). Collection method: clinical testing. Allele origin: germline.
Comment: This sequence change replaces serine, which is neutral and polar, with proline, which is neutral and non-polar, at codon 63 of the SH2D1A protein (p.Ser63Pro). This variant is not present in population databases (gnomAD no frequency). This variant has not been reported in the literature in individuals affected with SH2D1A-related conditions. An algorithm developed to predict the effect of missense changes on protein structure and function (PolyPhen-2) suggests that this variant is likely to be disruptive. In summary, the available evidence is currently insufficient to determine the role of this variant in disease. Therefore, it has been classified as a Variant of Uncertain Significance.

NM_002351.5(SH2D1A):c.187T>C (p.Ser63Pro)

Gene: SH2D1A (SH2 domain containing 1A; plus strand). Cytogenetic location: Xq25.
Variant type: single nucleotide variant.
Coding change: c.187T>C on transcript NM_002351.5 (MANE Select); coding-DNA position 187, T replaced by C.
Protein change: p.Ser63Pro; replaces serine 63 with proline.
Molecular consequence: missense variant.
Genome position (GRCh38, 1-based): chrX:124,365,810, T>C. VCF-style: chrX-124365810-T-C. GRCh37 (hg19) VCF-style: chrX-123499660-T-C.
Other names: c.187T>C, p.Ser63Pro (NM_001114937.3); short protein forms S63P.
Identifiers: ClinVar variation 4735631 (VCV004735631.2).